The following is an entry in ClinVar:

NM_001378024.1(ARHGAP32):c.1074G>A (p.Thr358=)

Gene: ARHGAP32 (Rho GTPase activating protein 32; minus strand). Cytogenetic location: 11q24.3.
Variant type: single nucleotide variant.
Coding change: c.1074G>A on transcript NM_001378024.1 (MANE Select); coding-DNA position 1074, G replaced by A.
Protein change: p.Thr358=; no amino-acid change (threonine 358 retained).
Molecular consequence: synonymous variant. On other transcripts: 5 prime UTR variant (1).
Genome position (GRCh38, 1-based): chr11:128,998,440, C>T on the plus strand (G>A on the coding strand, the complement: ARHGAP32 is on the minus strand). VCF-style: chr11-128998440-C-T. GRCh37 (hg19) VCF-style: chr11-128868335-C-T.
Other names: c.1032G>A, p.Thr344= (NM_001142685.2); c.912G>A, p.Thr304= (NM_001378025.1); c.-16G>A (NM_014715.4).
Identifiers: ClinVar variation 740711 (VCV000740711.27), dbSNP rs371266707, ClinGen allele CA6359267.

ClinVar aggregate classification (germline): Likely benign. Review status: criteria provided, multiple submitters, no conflicts (2 of 4 stars). 2 submissions from 2 submitters: Likely benign (2). Last evaluated 2022-06-01.

Allele frequency attached by ClinVar (database versions not stated): 1000 Genomes Project 30x 0.00016; 1000 Genomes Project 0.00020; gnomAD exomes 0.00021 and 0.00026; ExAC 0.00022; gnomAD 0.00022 and 0.00026; ESP Exome Variant Server 0.00023; TOPMed 0.00025.
gnomAD v4.1: 348 of 1,575,530 alleles (0.022%); highest among the groups gnomAD compares: Middle Eastern, 0.3%; no homozygotes.

Submissions (2):

CeGaT Center for Human Genetics Tuebingen
Classification: Likely benign. Last evaluated: 2022-06-01. Review status: criteria provided, single submitter. Criteria: CeGaT Center For Human Genetics Tuebingen Variant Classification Criteria Version 2. Collection method: clinical testing. Allele origin: germline. Affected: yes. Observed: 1 variant allele.
Comment: ARHGAP32: BP4, BP7

Labcorp Genetics (formerly Invitae), Labcorp
Classification: Likely benign. Last evaluated: 2018-07-31. Review status: criteria provided, single submitter. Criteria: Invitae Variant Classification Sherloc (09022015). Collection method: clinical testing. Allele origin: germline.